The following is an entry in ClinVar:

NM_005982.4(SIX1):c.487_488insGC (p.Leu163fs)

Genes: MIR9718 (microRNA 9718; plus strand), SIX1 (SIX homeobox 1; minus strand). Cytogenetic location: 14q23.1.
Variant type: Insertion.
Coding change: c.487_488insGC on transcript NM_005982.4 (MANE Select); coding-DNA positions 487 to 488, GC inserted.
Protein change: p.Leu163fs; shifts the reading frame from leucine 163.
Molecular consequence: frameshift variant. On other transcripts: non-coding transcript variant (1).
Genome position: GRCh38 VCF-style: chr14-60648702-A-AGC. GRCh37 (hg19) VCF-style: chr14-61115420-A-AGC.
Other names: c.487_488insGC, p.Leu163fs (NM_001425142.1); short protein forms L163fs.
Identifiers: ClinVar variation 4875253 (VCV004875253.2).

ClinVar aggregate classification (germline): Uncertain significance (1 of 4 stars; one submission).

Submission:

CeGaT Center for Human Genetics Tuebingen
Classification: Uncertain significance. Last evaluated: 2026-06-01. Review status: criteria provided, single submitter. Criteria: CeGaT Center For Human Genetics Tuebingen Variant Classification Criteria Version 2. Collection method: clinical testing. Allele origin: germline. Affected: yes. Observed: 1 variant allele.
Comment: SIX1: PM2, PVS1:Moderate